The following is an entry in ClinVar:

NM_001042492.3(NF1):c.7745_7751del (p.Gln2582fs)

Gene: NF1 (neurofibromin 1; plus strand). Cytogenetic location: 17q11.2.
Variant type: Deletion.
Coding change: c.7745_7751del on transcript NM_001042492.3 (MANE Select); coding-DNA positions 7745 to 7751, 7 bases deleted (AGAGGAT; older notation c.7745_7751delAGAGGAT).
Protein change: p.Gln2582fs; shifts the reading frame from glutamine 2582.
Molecular consequence: frameshift variant.
Genome position (GRCh38, 1-based): chr17:31,356,966-31,356,972, AGAGGAT deleted. VCF-style (leftmost placement, unchanged base first): chr17-31356965-CAGAGGAT-C. GRCh37 (hg19) VCF-style: chr17-29683983-CAGAGGAT-C.
Other names: c.7682_7688delAGAGGAT, p.Gln2561Leufs (NM_000267.4); short protein forms Q2561fs, Q2582fs.
Identifiers: ClinVar variation 2023353 (VCV002023353.4), dbSNP rs2508827066, ClinGen allele CA2580093448.

ClinVar aggregate classification (germline): Pathogenic (1 of 4 stars; one submission).

Conditions:
Neurofibromatosis, type 1 (NF1). Also called: NEUROFIBROMATOSIS, TYPE I, SOMATIC; Neurofibromatosis, type I; Peripheral type neurofibromatosis; VON RECKLINGHAUSEN DISEASE. Identifiers: Orphanet 636, MedGen C0027831, MONDO:0018975, OMIM 162200. Disease mechanism: loss of function.

Submission:

Labcorp Genetics (formerly Invitae), Labcorp
Classification: Pathogenic for Neurofibromatosis, type 1. Last evaluated: 2022-08-10. Review status: criteria provided, single submitter. Criteria: Invitae Variant Classification Sherloc (09022015). Collection method: clinical testing. Allele origin: germline.
Comment: This sequence change creates a premature translational stop signal (p.Gln2561Leufs*40) in the NF1 gene. It is expected to result in an absent or disrupted protein product. Loss-of-function variants in NF1 are known to be pathogenic (PMID: 10712197, 23913538). This variant is not present in population databases (gnomAD no frequency). This variant has not been reported in the literature in individuals affected with NF1-related conditions. For these reasons, this variant has been classified as Pathogenic.

Literature cited by the submitters: PubMed 10712197; PubMed 23913538.